The following is an entry in ClinVar:

NM_002529.4(NTRK1):c.1586G>A (p.Cys529Tyr)

Gene: NTRK1 (neurotrophic receptor tyrosine kinase 1; plus strand). Cytogenetic location: 1q23.1.
Variant type: single nucleotide variant.
Coding change: c.1586G>A on transcript NM_002529.4 (MANE Select); coding-DNA position 1586, G replaced by A.
Protein change: p.Cys529Tyr; replaces cysteine 529 with tyrosine.
Molecular consequence: missense variant.
Genome position (GRCh38, 1-based): chr1:156,876,164, G>A. VCF-style: chr1-156876164-G-A. GRCh37 (hg19) VCF-style: chr1-156845956-G-A.
Other names: c.1478G>A, p.Cys493Tyr (NM_001007792.1); c.1568G>A, p.Cys523Tyr (NM_001012331.2); short protein forms C493Y, C523Y, C529Y.
Identifiers: ClinVar variation 1003685 (VCV001003685.6), dbSNP rs759451509, ClinGen allele CA1169383.

ClinVar aggregate classification (germline): Uncertain significance (1 of 4 stars; one submission).

Conditions:
Hereditary insensitivity to pain with anhidrosis (CIPA). Also called: HSAN Type IV; hereditary sensory and autonomic neuropathy type 4; NEUROPATHY, CONGENITAL SENSORY, WITH ANHIDROSIS; NTRK1 Congenital Insensitivity to Pain with Anhidrosis; INSENSITIVITY TO PAIN, CONGENITAL, WITH ANHIDROSIS; FAMILIAL DYSAUTONOMIA, TYPE II. Identifiers: Orphanet 642, MedGen C0020074, MONDO:0009746, OMIM 256800.

Allele frequency attached by ClinVar (database versions not stated): gnomAD exomes below 0.00001; ExAC 0.00001.
gnomAD v4.1: 1 of 1,614,178 alleles (0.000062%); highest among the groups gnomAD compares: South Asian, 0.0011%; no homozygotes.

Submission:

Labcorp Genetics (formerly Invitae), Labcorp
Classification: Uncertain significance for Hereditary insensitivity to pain with anhidrosis. Last evaluated: 2021-08-27. Review status: criteria provided, single submitter. Criteria: Invitae Variant Classification Sherloc (09022015). Collection method: clinical testing. Allele origin: germline.
Comment: This sequence change replaces cysteine with tyrosine at codon 523 of the NTRK1 protein (p.Cys523Tyr). The cysteine residue is highly conserved and there is a large physicochemical difference between cysteine and tyrosine. This variant is present in population databases (rs759451509, ExAC 0.006%). This variant has not been reported in the literature in individuals affected with NTRK1-related conditions. Algorithms developed to predict the effect of missense changes on protein structure and function are either unavailable or do not agree on the potential impact of this missense change (SIFT: "Tolerated"; PolyPhen-2: "Probably Damaging"; Align-GVGD: "Class C0"). In summary, the available evidence is currently insufficient to determine the role of this variant in disease. Therefore, it has been classified as a Variant of Uncertain Significance.